The following is an entry in ClinVar:

ClinVar aggregate classification (germline): Benign/Likely benign. Review status: criteria provided, multiple submitters, no conflicts (2 of 4 stars). 18 submissions from 18 submitters: Benign (8); Likely benign (9). 1 of the submissions does not count toward it. Last evaluated 2026-08-01.

Conditions:
Hereditary cancer-predisposing syndrome. Also called: Neoplastic Syndromes, Hereditary; Tumor predisposition; Hereditary Cancer Syndrome; Hereditary neoplastic syndrome. Identifiers: Orphanet 140162, MedGen C0027672, MeSH D009386, MONDO:0015356.
Tuberous sclerosis syndrome (TSC). Also called: Tuberous Sclerosis Complex; Tuberous sclerosis. Identifiers: Orphanet 805, MedGen C0041341, MONDO:0001734.
Polycystic kidney disease, adult type (PKD1). Also called: Polycystic Kidney, Autosomal Dominant; POLYCYSTIC KIDNEY DISEASE 1 WITH OR WITHOUT POLYCYSTIC LIVER DISEASE; POLYCYSTIC KIDNEY DISEASE, ADULT, TYPE I; Polycystic Kidney Disease 1, Autosomal Dominant; Polycystic kidney disease 1; Polycystic kidney disease 1, severe. Identifiers: MedGen C3149841, MONDO:0008263, OMIM 173900.
Tuberous sclerosis 2 (TSC2). Identifiers: Orphanet 805, MedGen C1860707, MONDO:0013199, OMIM 613254.

Allele frequency attached by ClinVar (database versions not stated): ExAC 0.00025; ESP Exome Variant Server 0.00046; gnomAD 0.00054; TOPMed 0.00061; 1000 Genomes Project 30x 0.00062; 1000 Genomes Project 0.00080.
gnomAD v4.1: 325 of 1,612,958 alleles (0.02%); highest among the groups gnomAD compares: African/African-American, 0.15%; 1 homozygote.

Submissions (18):

CeGaT Center for Human Genetics Tuebingen
Classification: Likely benign. Last evaluated: 2026-08-01. Review status: criteria provided, single submitter. Criteria: CeGaT Center For Human Genetics Tuebingen Variant Classification Criteria Version 2. Collection method: clinical testing. Allele origin: germline. Affected: yes. Observed: 4 variant alleles.
Comment: TSC2: BS1

Labcorp Genetics (formerly Invitae), Labcorp
Classification: Benign for Tuberous sclerosis 2. Last evaluated: 2026-02-02. Review status: criteria provided, single submitter. Criteria: Invitae Variant Classification Sherloc (09022015). Collection method: clinical testing. Allele origin: germline.

Athena Diagnostics
Classification: Benign. Last evaluated: 2025-08-12. Review status: criteria provided, single submitter. Criteria: Athena Diagnostics Criteria. Collection method: clinical testing. Allele origin: unknown.
Comment: The frequency of this variant in the general population is higher than would generally be expected for pathogenic variants in this gene. This variant has been seen where an alternate explanation for disease was also identified.

Myriad Genetics, Inc.
Classification: Likely benign for Tuberous sclerosis 2. Last evaluated: 2025-06-06. Review status: criteria provided, single submitter. Criteria: Myriad Autosomal Dominant, Autosomal Recessive and X-Linked Classification Criteria (2023). Collection method: clinical testing. Allele origin: unknown.
Comment: This variant is considered likely benign. This variant has been observed at a population frequency that is significantly greater than expected given the associated disease prevalence and penetrance.

KCCC/NGS Laboratory, Kuwait Cancer Control Center
Classification: Benign for Polycystic kidney disease, adult type. Last evaluated: 2025-02-01. Review status: criteria provided, single submitter. Criteria: ACMG Guidelines, 2015. Collection method: clinical testing. Allele origin: germline. Affected: no.

Blueprint Genetics
Classification: Likely benign. Last evaluated: 2024-09-04. Review status: criteria provided, single submitter. Criteria: ACMG Guidelines, 2015. Collection method: clinical testing. Allele origin: germline.

ARUP Laboratories, Molecular Genetics and Genomics, ARUP Laboratories
Classification: Likely benign. Last evaluated: 2024-03-20. Review status: criteria provided, single submitter. Criteria: ARUP Molecular Germline Variant Investigation Process 2024. Collection method: clinical testing. Allele origin: germline.

Women's Health and Genetics/Laboratory Corporation of America, LabCorp
Classification: Likely benign. Last evaluated: 2022-10-22. Review status: criteria provided, single submitter. Criteria: LabCorp Variant Classification Summary - May 2015. Collection method: clinical testing. Allele origin: germline.

Color Diagnostics, LLC DBA Color Health
Classification: Benign for Tuberous sclerosis syndrome. Last evaluated: 2022-08-10. Review status: criteria provided, single submitter. Criteria: ACMG Guidelines, 2015. Collection method: clinical testing. Allele origin: germline.

Genome-Nilou Lab
Classification: Benign for Tuberous sclerosis 2. Last evaluated: 2021-11-07. Review status: criteria provided, single submitter. Criteria: ACMG Guidelines, 2015. Collection method: clinical testing. Allele origin: germline. Affected: no.

Institute for Clinical Genetics, University Hospital TU Dresden, University Hospital TU Dresden
Classification: Likely benign. Last evaluated: 2021-11-03. Review status: criteria provided, single submitter. Criteria: ACMG Guidelines, 2015. Collection method: clinical testing. Allele origin: germline.

Quest Diagnostics Nichols Institute San Juan Capistrano
Classification: Benign. Last evaluated: 2021-08-30. Review status: criteria provided, single submitter. Criteria: Quest Diagnostics criteria. Collection method: clinical testing. Allele origin: unknown.

Genetic Services Laboratory, University of Chicago
Classification: Likely benign. Last evaluated: 2021-07-27. Review status: criteria provided, single submitter. Criteria: ACMG Guidelines, 2015. Collection method: clinical testing. Allele origin: germline. Affected: no.

Sema4
Classification: Benign for Hereditary cancer-predisposing syndrome. Last evaluated: 2020-07-31. Review status: criteria provided, single submitter. Criteria: Sema4 Curation Guidelines. Collection method: curation. Allele origin: germline.

GeneDx
Classification: Benign. Last evaluated: 2019-07-03. Review status: criteria provided, single submitter. Criteria: GeneDx Variant Classification Process June 2021. Collection method: clinical testing. Allele origin: germline. Affected: yes.
Comment: This variant is associated with the following publications: (PMID: 21984974, 22903760, 24631838, 27176796, 22558107, 28088512, 23514105)

Ambry Genetics
Classification: Likely benign for Hereditary cancer-predisposing syndrome. Last evaluated: 2018-08-27. Review status: criteria provided, single submitter. Criteria: Ambry Variant Classification Scheme 2023. Collection method: clinical testing. Allele origin: germline.

PreventionGenetics, part of Exact Sciences
Classification: Likely benign. Review status: criteria provided, single submitter. Criteria: ACMG Guidelines, 2015. Collection method: clinical testing. Allele origin: germline.

Tuberous sclerosis database (TSC2)
No classification provided. Condition: TSC. Review status: no classification provided. Criteria: Tuberous Sclerosis Database Assertion Criteria 2015. Collection method: curation. Allele origin: germline. Affected: yes. Not counted in ClinVar's aggregate classification.

Literature cited by the submitters: PubMed 32502382 (cited by Athena Diagnostics and Sema4); PubMed 27176796 (cited by Athena Diagnostics and Quest Diagnostics Nichols Institute San Juan Capistrano); PubMed 22558107 (cited by Athena Diagnostics and Quest Diagnostics Nichols Institute San Juan Capistrano); PubMed 22903760 (cited by 3 submitters).

NM_000548.5(TSC2):c.5131G>A (p.Val1711Met)

Genes: PKD1 (polycystin 1, transient receptor potential channel interacting; minus strand), TSC2 (TSC complex subunit 2; plus strand). Cytogenetic location: 16p13.3.
Variant type: single nucleotide variant.
Coding change: c.5131G>A on transcript NM_000548.5 (MANE Select); coding-DNA position 5131, G replaced by A.
Protein change: p.Val1711Met; replaces valine 1711 with methionine.
Molecular consequence: missense variant.
Genome position (GRCh38, 1-based): chr16:2,088,110, G>A. VCF-style: chr16-2088110-G-A. GRCh37 (hg19) VCF-style: chr16-2138111-G-A.
Other names: p.V1711M:GTG>ATG; c.4930G>A, p.Val1644Met (NM_001077183.3); c.5062G>A, p.Val1688Met (NM_001114382.3); c.4822G>A, p.Val1608Met (NM_001318827.2); c.4786G>A, p.Val1596Met (NM_001318829.2); c.4399G>A, p.Val1467Met (NM_001318831.2); c.4963G>A, p.Val1655Met (NM_001318832.2); c.4933G>A, p.Val1645Met (NM_001363528.2); and 3 more; short protein forms V1711M, V1467M, V1644M, V1645M, V1655M, V1596M, V1667M, V1668M.
Identifiers: ClinVar variation 64983 (VCV000064983.54), dbSNP rs139779505, ClinGen allele CA021813.